The following is an entry in ClinVar:

NM_001032386.2(SUOX):c.186A>T (p.Leu62Phe)

Gene: SUOX (sulfite oxidase; plus strand). Cytogenetic location: 12q13.2.
Variant type: single nucleotide variant.
Coding change: c.186A>T on transcript NM_001032386.2 (MANE Select); coding-DNA position 186, A replaced by T.
Protein change: p.Leu62Phe; replaces leucine 62 with phenylalanine.
Molecular consequence: missense variant.
Genome position (GRCh38, 1-based): chr12:56,002,678, A>T. VCF-style: chr12-56002678-A-T. GRCh37 (hg19) VCF-style: chr12-56396462-A-T.
Other names: c.186A>T, p.Leu62Phe (NM_000456.3, NM_001032387.2); short protein forms L62F.
Identifiers: ClinVar variation 568542 (VCV000568542.10), dbSNP rs1347179760, ClinGen allele CA385279733.

ClinVar aggregate classification (germline): Uncertain significance (1 of 4 stars; one submission).

Conditions:
Sulfite oxidase deficiency. Also called: Isolated sulfite oxidase deficiency. Identifiers: Orphanet 833, Orphanet 99731, MedGen C0268624, MONDO:0010089, OMIM 272300, HP:0003643.

Allele frequency attached by ClinVar (database versions not stated): gnomAD exomes below 0.00001.
gnomAD v4.1: 1 of 1,614,088 alleles (0.000062%); highest among the groups gnomAD compares: Non-Finnish European, 0.000085%; no homozygotes.

Submission:

Labcorp Genetics (formerly Invitae), Labcorp
Classification: Uncertain significance for Sulfite oxidase deficiency. Last evaluated: 2018-03-11. Review status: criteria provided, single submitter. Criteria: Invitae Variant Classification Sherloc (09022015). Collection method: clinical testing. Allele origin: germline.
Comment: This variant has not been reported in the literature in individuals with SUOX-related disease. This sequence change replaces leucine with phenylalanine at codon 62 of the SUOX protein (p.Leu62Phe). The leucine residue is moderately conserved and there is a small physicochemical difference between leucine and phenylalanine. This variant is not present in population databases (ExAC no frequency). Algorithms developed to predict the effect of missense changes on protein structure and function do not agree on the potential impact of this missense change (SIFT: "Deleterious"; PolyPhen-2: "Benign"; Align-GVGD: "Class C0"). In summary, the available evidence is currently insufficient to determine the role of this variant in disease. Therefore, it has been classified as a Variant of Uncertain Significance.